The following is an entry in ClinVar:

NM_001244008.2(KIF1A):c.2538A>T (p.Gly846=)

Gene: KIF1A (kinesin family member 1A; minus strand). Cytogenetic location: 2q37.3.
Variant type: single nucleotide variant.
Coding change: c.2538A>T on transcript NM_001244008.2 (MANE Select); coding-DNA position 2538, A replaced by T.
Protein change: p.Gly846=; no amino-acid change (glycine 846 retained).
Molecular consequence: synonymous variant.
Genome position (GRCh38, 1-based): chr2:240,758,404, T>A on the plus strand (A>T on the coding strand, the complement: KIF1A is on the minus strand). VCF-style: chr2-240758404-T-A. GRCh37 (hg19) VCF-style: chr2-241697821-T-A.
Other names: c.2538A>T, p.Gly846= (NM_001320705.2, NM_001330289.2, NM_001379638.1); c.2613A>T, p.Gly871= (NM_001330290.2, NM_001379631.1, NM_001379634.1 and 2 more transcripts); c.2511A>T, p.Gly837= (NM_001379632.1, NM_001379633.1, NM_001379636.1 and 11 more transcripts); c.2586A>T, p.Gly862= (NM_001379637.1, NM_001379648.1).
Identifiers: ClinVar variation 2652096 (VCV002652096.24), dbSNP rs2537536365, ClinGen allele CA432031963.

ClinVar aggregate classification (germline): Likely benign (1 of 4 stars; one submission).

Submission:

CeGaT Center for Human Genetics Tuebingen
Classification: Likely benign. Last evaluated: 2023-02-01. Review status: criteria provided, single submitter. Criteria: CeGaT Center For Human Genetics Tuebingen Variant Classification Criteria Version 2. Collection method: clinical testing. Allele origin: germline. Affected: yes. Observed: 1 variant allele.
Comment: KIF1A: PM2:Supporting, BP4, BP7